The following is an entry in ClinVar:

ClinVar aggregate classification (germline): Uncertain significance (1 of 4 stars; one submission).

Conditions:
Autosomal dominant nocturnal frontal lobe epilepsy 5. Also called: CILIARY DYSKINESIA, PRIMARY, 28, WITH SITUS INVERSUS; Epilepsy, nocturnal frontal lobe, 5; CILIARY DYSKINESIA, PRIMARY, 28, WITHOUT SITUS INVERSUS; KCNT1-Related Epilepsy. Identifiers: Orphanet 98784, MedGen C3554306, MONDO:0014002, OMIM 615005.
Developmental and epileptic encephalopathy, 14 (DEE14). Also called: Early infantile epileptic encephalopathy 14. Identifiers: Orphanet 293181, MedGen C3554195, MONDO:0013989, OMIM 614959.

Submission:

Labcorp Genetics (formerly Invitae), Labcorp
Classification: Uncertain significance for Autosomal dominant nocturnal frontal lobe epilepsy 5; Developmental and epileptic encephalopathy, 14. Last evaluated: 2025-04-29. Review status: criteria provided, single submitter. Criteria: Invitae Variant Classification Sherloc (09022015). Collection method: clinical testing. Allele origin: germline.
Comment: This sequence change replaces glycine, which is neutral and non-polar, with tryptophan, which is neutral and slightly polar, at codon 689 of the KCNT1 protein (p.Gly689Trp). This variant is not present in population databases (gnomAD no frequency). This variant has not been reported in the literature in individuals affected with KCNT1-related conditions. Invitae Evidence Modeling of protein sequence and biophysical properties (such as structural, functional, and spatial information, amino acid conservation, physicochemical variation, residue mobility, and thermodynamic stability) indicates that this missense variant is not expected to disrupt KCNT1 protein function with a negative predictive value of 95%. In summary, the available evidence is currently insufficient to determine the role of this variant in disease. Therefore, it has been classified as a Variant of Uncertain Significance.

NM_020822.3(KCNT1):c.2065G>T (p.Gly689Trp)

Gene: KCNT1 (potassium sodium-activated channel subfamily T member 1; plus strand). Cytogenetic location: 9q34.3.
Variant type: single nucleotide variant.
Coding change: c.2065G>T on transcript NM_020822.3 (MANE Select); coding-DNA position 2065, G replaced by T.
Protein change: p.Gly689Trp; replaces glycine 689 with tryptophan.
Molecular consequence: missense variant.
Genome position (GRCh38, 1-based): chr9:135,772,771, G>T. VCF-style: chr9-135772771-G-T. GRCh37 (hg19) VCF-style: chr9-138664617-G-T.
Other names: c.1930G>T, p.Gly644Trp (NM_001272003.2); short protein forms G689W, G644W.
Identifiers: ClinVar variation 4792973 (VCV004792973.1).